The following is an entry in ClinVar:

NM_006901.4(MYO9A):c.4081A>G (p.Ile1361Val)

Gene: MYO9A (myosin IXA; minus strand). Cytogenetic location: 15q23.
Variant type: single nucleotide variant.
Coding change: c.4081A>G on transcript NM_006901.4 (MANE Select); coding-DNA position 4081, A replaced by G.
Protein change: p.Ile1361Val; replaces isoleucine 1361 with valine.
Molecular consequence: missense variant.
Genome position (GRCh38, 1-based): chr15:71,898,422, T>C on the plus strand (A>G on the coding strand, the complement: MYO9A is on the minus strand). VCF-style: chr15-71898422-T-C. GRCh37 (hg19) VCF-style: chr15-72190763-T-C.
Other names: c.4081A>G (NM_006901.3); short protein forms I1361V.
Identifiers: ClinVar variation 2593713 (VCV002593713.3), dbSNP rs746325200, ClinGen allele CA7641468.

ClinVar aggregate classification (germline): Uncertain significance. Review status: criteria provided, multiple submitters, no conflicts (2 of 4 stars). 2 submissions from 2 submitters: Uncertain significance (2). Last evaluated 2024-12-09.

Conditions:
MYO9A-related disorder. Also called: MYO9A-related condition.
Inborn genetic diseases. Identifiers: MedGen C0950123, MeSH D030342.

Allele frequency attached by ClinVar (database versions not stated): gnomAD exomes 0.00001; ExAC 0.00002; gnomAD 0.00006; TOPMed 0.00007.
gnomAD v4.1: 21 of 1,613,768 alleles (0.0013%); highest among the groups gnomAD compares: African/African-American, 0.024%; no homozygotes.

Submissions (2):

PreventionGenetics, part of Exact Sciences
Classification: Uncertain significance for MYO9A-related condition. Last evaluated: 2024-12-09. Review status: criteria provided, single submitter. Criteria: ACMG Guidelines, 2015. Collection method: clinical testing. Allele origin: germline.
Comment: The MYO9A c.4081A>G variant is predicted to result in the amino acid substitution p.Ile1361Val. To our knowledge, this variant has not been reported in the literature. This variant is reported in 0.024% of alleles in individuals of African descent in gnomAD. At this time, the clinical significance of this variant is uncertain due to the absence of conclusive functional and genetic evidence.

Ambry Genetics
Classification: Uncertain significance for Inborn genetic diseases. Last evaluated: 2023-08-28. Review status: criteria provided, single submitter. Criteria: Ambry Variant Classification Scheme 2023. Collection method: clinical testing. Allele origin: germline.